The following is an entry in ClinVar:

NM_001161352.2(KCNMA1):c.3569C>G (p.Ser1190Cys)

Gene: KCNMA1 (potassium calcium-activated channel subfamily M alpha 1; minus strand). Cytogenetic location: 10q22.3.
Variant type: single nucleotide variant.
Coding change: c.3569C>G on transcript NM_001161352.2 (MANE Select); coding-DNA position 3569, C replaced by G.
Protein change: p.Ser1190Cys; replaces serine 1190 with cysteine.
Molecular consequence: missense variant.
Genome position (GRCh38, 1-based): chr10:76,887,408, G>C on the plus strand (C>G on the coding strand, the complement: KCNMA1 is on the minus strand). VCF-style: chr10-76887408-G-C. GRCh37 (hg19) VCF-style: chr10-78647166-G-C.
Other names: c.3407C>G, p.Ser1136Cys (NM_001014797.3); c.3518C>G, p.Ser1173Cys (NM_001161353.2); c.3245C>G, p.Ser1082Cys (NM_001271518.2); c.3485C>G, p.Ser1162Cys (NM_001271519.2); c.3404C>G, p.Ser1135Cys (NM_001322829.2, NM_001322836.2); c.3497C>G, p.Ser1166Cys (NM_001322830.2); c.3395C>G, p.Ser1132Cys (NM_001322832.2, NM_001410940.1, NM_002247.4); c.3488C>G, p.Ser1163Cys (NM_001322835.2, NM_001322837.2); and 1 more; short protein forms S1082C, S1132C, S1135C, S1136C, S1162C, S1163C, S1166C, S1173C.
Identifiers: ClinVar variation 2497854 (VCV002497854.4), dbSNP rs1305393894, ClinGen allele CA377402737.

ClinVar aggregate classification (germline): Uncertain significance. Review status: criteria provided, multiple submitters, no conflicts (2 of 4 stars). 2 submissions from 2 submitters: Uncertain significance (2). Last evaluated 2025-06-17.

Conditions:
Generalized epilepsy-paroxysmal dyskinesia syndrome (PNKD3). Also called: Generalized epilepsy and paroxysmal dyskinesia; Paroxysmal nonkinesigenic dyskinesia, 3, with or without generalized epilepsy. Identifiers: Orphanet 79137, MedGen C5574945, MONDO:0012276, OMIM 609446.

Allele frequency attached by ClinVar (database versions not stated): gnomAD exomes below 0.00001.
gnomAD v4.1: 4 of 1,614,170 alleles (0.00025%); highest among the groups gnomAD compares: South Asian, 0.0022%; no homozygotes.

Submissions (2):

Labcorp Genetics (formerly Invitae), Labcorp
Classification: Uncertain significance for Generalized epilepsy-paroxysmal dyskinesia syndrome. Last evaluated: 2025-06-17. Review status: criteria provided, single submitter. Criteria: Invitae Variant Classification Sherloc (09022015). Collection method: clinical testing. Allele origin: germline.
Comment: This sequence change replaces serine, which is neutral and polar, with cysteine, which is neutral and slightly polar, at codon 1132 of the KCNMA1 protein (p.Ser1132Cys). This variant is present in population databases (no rsID available, gnomAD 0.003%). This variant has not been reported in the literature in individuals affected with KCNMA1-related conditions. ClinVar contains an entry for this variant (Variation ID: 2497854). An algorithm developed to predict the effect of missense changes on protein structure and function (PolyPhen-2) suggests that this variant is likely to be disruptive. In summary, the available evidence is currently insufficient to determine the role of this variant in disease. Therefore, it has been classified as a Variant of Uncertain Significance.

GeneDx
Classification: Uncertain significance. Last evaluated: 2022-10-05. Review status: criteria provided, single submitter. Criteria: GeneDx Variant Classification Process June 2021. Collection method: clinical testing. Allele origin: germline. Affected: yes.
Comment: Not observed at significant frequency in large population cohorts (gnomAD); In silico analysis supports that this missense variant does not alter protein structure/function; Has not been previously published as pathogenic or benign to our knowledge